The following is an entry in ClinVar:

NM_015057.5(MYCBP2):c.6530A>G (p.Asp2177Gly)

Gene: MYCBP2 (MYC binding protein 2; minus strand). Cytogenetic location: 13q22.3.
Variant type: single nucleotide variant.
Coding change: c.6530A>G on transcript NM_015057.5 (MANE Select); coding-DNA position 6530, A replaced by G.
Protein change: p.Asp2177Gly; replaces aspartic acid 2177 with glycine.
Molecular consequence: missense variant.
Genome position (GRCh38, 1-based): chr13:77,164,471, T>C on the plus strand (A>G on the coding strand, the complement: MYCBP2 is on the minus strand). VCF-style: chr13-77164471-T-C. GRCh37 (hg19) VCF-style: chr13-77738606-T-C.
Other names: short protein forms D2177G.
Identifiers: ClinVar variation 2446483 (VCV002446483.1), dbSNP rs2548941031, ClinGen allele CA388412923.
Genomic context (GRCh38, chr13:77,164,471, plus strand): 5'-AACAAAACCCTATCAAAAAACATCCAGTATTGGCCACACTTACCAATAGGAAGTGCTAGG[T>C]CCTTCTTCATCAGAGCTGCTGCACAAACCCCACCAAGATTGGCTAATTCTTTTTCCAATT-3'
Protein context (NP_055872.4, residues 2167-2187): GVCAAALMKK[Asp2177Gly]LALPIGNELE

ClinVar aggregate classification (germline): Uncertain significance (1 of 4 stars; one submission).

Submission:

GeneDx
Classification: Uncertain significance. Last evaluated: 2022-09-30. Review status: criteria provided, single submitter. Criteria: GeneDx Variant Classification Process June 2021. Collection method: clinical testing. Allele origin: germline. Affected: yes.
Comment: Not observed at significant frequency in large population cohorts (gnomAD); In silico analysis supports that this missense variant has a deleterious effect on protein structure/function; Has not been previously published as pathogenic or benign to our knowledge; Variants in candidate genes are classified as variants of uncertain significance in accordance with ACMG guidelines (Richards et al., 2015)